The following is an entry in ClinVar:

ClinVar aggregate classification (germline): Uncertain significance (1 of 4 stars; one submission).

Conditions:
Peroxisome biogenesis disorder 12A (Zellweger). Also called: Peroxisome biogenesis disorder 12A. Identifiers: Orphanet 912, MedGen C3554002, MONDO:0013951, OMIM 614886.

Submission:

Labcorp Genetics (formerly Invitae), Labcorp
Classification: Uncertain significance for Peroxisome biogenesis disorder 12A (Zellweger). Last evaluated: 2022-06-04. Review status: criteria provided, single submitter. Criteria: Invitae Variant Classification Sherloc (09022015). Collection method: clinical testing. Allele origin: germline.
Comment: This variant has not been reported in the literature in individuals affected with PEX19-related conditions. Algorithms developed to predict the effect of missense changes on protein structure and function (SIFT, PolyPhen-2, Align-GVGD) all suggest that this variant is likely to be tolerated. In summary, the available evidence is currently insufficient to determine the role of this variant in disease. Therefore, it has been classified as a Variant of Uncertain Significance. This variant is not present in population databases (gnomAD no frequency). This sequence change replaces lysine, which is basic and polar, with glutamic acid, which is acidic and polar, at codon 227 of the PEX19 protein (p.Lys227Glu).

NM_002857.4(PEX19):c.679A>G (p.Lys227Glu)

Gene: PEX19 (peroxisomal biogenesis factor 19; minus strand). Cytogenetic location: 1q23.2.
Variant type: single nucleotide variant.
Coding change: c.679A>G on transcript NM_002857.4 (MANE Select); coding-DNA position 679, A replaced by G.
Protein change: p.Lys227Glu; replaces lysine 227 with glutamic acid.
Molecular consequence: missense variant. On other transcripts: non-coding transcript variant (2).
Genome position (GRCh38, 1-based): chr1:160,280,162, T>C on the plus strand (A>G on the coding strand, the complement: PEX19 is on the minus strand). VCF-style: chr1-160280162-T-C. GRCh37 (hg19) VCF-style: chr1-160249952-T-C.
Other names: c.679A>G, p.Lys227Glu (NM_001193644.1); short protein forms K227E.
Identifiers: ClinVar variation 2075792 (VCV002075792.4), dbSNP rs2525304930, ClinGen allele CA343257705.